The following is an entry in ClinVar:

ClinVar aggregate classification (germline): Uncertain significance (1 of 4 stars; one submission).

Conditions:
Dystonic disorder. Also called: Dystonia. Identifiers: MedGen C0013421, MONDO:0003441, HP:0001332.

Allele frequency attached by ClinVar (database versions not stated): gnomAD exomes below 0.00001 and 0.00002; gnomAD 0.00001 and 0.00003; TOPMed 0.00001.
gnomAD v4.1: 46 of 1,608,838 alleles (0.0029%); highest among the groups gnomAD compares: African/African-American, 0.031%; 1 homozygote.

Submission:

Labcorp Genetics (formerly Invitae), Labcorp
Classification: Uncertain significance for Dystonic disorder. Last evaluated: 2023-08-27. Review status: criteria provided, single submitter. Criteria: Invitae Variant Classification Sherloc (09022015). Collection method: clinical testing. Allele origin: germline.
Comment: This missense change has been observed in individual(s) with clinical features of ANO3-related conditions (Invitae). In summary, the available evidence is currently insufficient to determine the role of this variant in disease. Therefore, it has been classified as a Variant of Uncertain Significance. Variants that disrupt the consensus splice site are a relatively common cause of aberrant splicing (PMID: 17576681, 9536098). Algorithms developed to predict the effect of sequence changes on RNA splicing suggest that this variant may create or strengthen a splice site. An algorithm developed to predict the effect of missense changes on protein structure and function (PolyPhen-2) suggests that this variant is likely to be tolerated. ClinVar contains an entry for this variant (Variation ID: 1061127). The frequency data for this variant in the population databases is considered unreliable, as metrics indicate poor data quality at this position in the gnomAD database. This sequence change replaces alanine, which is neutral and non-polar, with threonine, which is neutral and polar, at codon 105 of the ANO3 protein (p.Ala105Thr). This variant also falls at the last nucleotide of exon 3, which is part of the consensus splice site for this exon.

Literature cited by the submitters: PubMed 17576681; PubMed 9536098.

NM_031418.4(ANO3):c.313G>A (p.Ala105Thr)

Gene: ANO3 (anoctamin 3; plus strand). Cytogenetic location: 11p14.2.
Variant type: single nucleotide variant.
Coding change: c.313G>A on transcript NM_031418.4 (MANE Select); coding-DNA position 313, G replaced by A.
Protein change: p.Ala105Thr; replaces alanine 105 with threonine.
Molecular consequence: missense variant.
Genome position (GRCh38, 1-based): chr11:26,443,836, G>A. VCF-style: chr11-26443836-G-A. GRCh37 (hg19) VCF-style: chr11-26465383-G-A.
Other names: c.496G>A, p.Ala166Thr (NM_001313726.2); short protein forms A105T, A166T.
Identifiers: ClinVar variation 1061127 (VCV001061127.9), dbSNP rs113373791, ClinGen allele CA219763780.